The following is an entry in ClinVar:

NM_022124.6(CDH23):c.4488G>C (p.Gln1496His)

Gene: CDH23 (cadherin related 23; plus strand). Cytogenetic location: 10q22.1.
Variant type: single nucleotide variant.
Coding change: c.4488G>C on transcript NM_022124.6 (MANE Select); coding-DNA position 4488, G replaced by C.
Protein change: p.Gln1496His; replaces glutamine 1496 with histidine.
Molecular consequence: missense variant.
Genome position (GRCh38, 1-based): chr10:71,739,772, G>C. VCF-style: chr10-71739772-G-C. GRCh37 (hg19) VCF-style: chr10-73499529-G-C.
Other names: short protein forms Q1496H.
Identifiers: ClinVar variation 4915 (VCV000004915.17), dbSNP rs121908347, ClinGen allele CA253319.

ClinVar aggregate classification (germline): Pathogenic. Review status: criteria provided, multiple submitters, no conflicts (2 of 4 stars). 7 submissions from 7 submitters: Pathogenic (6). 1 of the submissions does not count toward it. Last evaluated 2025-10-29.

Conditions:
CDH23-related disorder. Also called: CDH23-related condition; CDH23-related disorders.
Pituitary adenoma 5, multiple types. Identifiers: MedGen C4539685, MONDO:0054601, OMIM 617540.
Usher syndrome type 1 (USH1). Also called: RETINITIS PIGMENTOSA AND CONGENITAL DEAFNESS. Identifiers: Orphanet 231169, Orphanet 886, MedGen C1568247, MONDO:0010168, OMIM 276900.
Usher syndrome type 1D (USH1D). Also called: USHER SYNDROME, TYPE ID. Identifiers: Orphanet 231169, Orphanet 886, MedGen C1832845, MONDO:0010984, OMIM 601067.

Allele frequency attached by ClinVar (database versions not stated): TOPMed below 0.00001.
gnomAD v4.1: 3 of 1,608,304 alleles (0.00019%); highest among the groups gnomAD compares: Admixed American, 0.0033%; no homozygotes.

Submissions (7):

Labcorp Genetics (formerly Invitae), Labcorp
Classification: Pathogenic. Last evaluated: 2025-10-29. Review status: criteria provided, single submitter. Criteria: Invitae Variant Classification Sherloc (09022015). Collection method: clinical testing. Allele origin: germline.
Comment: This sequence change replaces glutamine, which is neutral and polar, with histidine, which is basic and polar, at codon 1496 of the CDH23 protein (p.Gln1496His). This variant also falls at the last nucleotide of exon 36, which is part of the consensus splice site for this exon. This variant is not present in population databases (gnomAD no frequency). This missense change has been observed in individuals with Usher syndrome (PMID: 11138009, 30459346, 31231422). It has also been observed to segregate with disease in related individuals. ClinVar contains an entry for this variant (Variation ID: 4915). Experimental studies and prediction algorithms are not available or were not evaluated, and the functional significance of this variant is currently unknown. Variants that disrupt the consensus splice site are a relatively common cause of aberrant splicing (PMID: 17576681, 9536098). Studies have shown that this missense change alters mRNA splicing and is expected to lead to the loss of protein expression (PMID: 11138009). For these reasons, this variant has been classified as Pathogenic.

Natera, Inc.
Classification: Pathogenic for Usher syndrome type 1. Last evaluated: 2025-06-12. Review status: criteria provided, single submitter. Criteria: Natera Variant Classification Schema (03/2026). Collection method: clinical testing. Allele origin: germline.
Comment: The c.4488G>C variant in CDH23 is a missense variant predicted to cause substitution of glutamine to histidine at amino acid 1496. This variant is rare in the general population with a frequency below the threshold expected for the associated phenotype(s). This variant has been observed in one or more individuals affected with the associated recessive disease, as either homozygous or compound heterozygous with a second variant (PMID: 11138009, 31231422). Functional studies show that this variant may disrupt protein function (PMID: 11138009). Computational prediction algorithms indicate this variant is likely to affect gene or protein function. Given the available evidence, this variant is classified as Pathogenic.

Baylor Genetics
Classification: Pathogenic for Pituitary adenoma 5, multiple types. Last evaluated: 2024-03-27. Review status: criteria provided, single submitter. Criteria: ACMG Guidelines, 2015. Collection method: clinical testing. Allele origin: unknown.

Department of Pathology and Laboratory Medicine, Sinai Health System
Classification: Pathogenic for Usher syndrome type 1D. Last evaluated: 2023-02-01. Review status: criteria provided, single submitter. Criteria: ACMG Guidelines, 2015. Collection method: research. Allele origin: germline.

GeneDx
Classification: Pathogenic. Last evaluated: 2019-08-06. Review status: criteria provided, single submitter. Criteria: GeneDx Variant Classification Process June 2021. Collection method: clinical testing. Allele origin: germline. Affected: yes.
Comment: Published functional studies demonstrate a damaging effect by a cryptic intronic splice site 103bp downstream, which indicates a truncation and loss of function of CDH23 (Bolz et al., 2001); Not observed in large population cohorts (Lek et al., 2016); This variant is associated with the following publications: (PMID: 31706454, 31231422, 12075507, 11138009, 18273900, 18429043, 27599893, 29986705)

Blueprint Genetics
Classification: Pathogenic for CDH23-related disorders. Last evaluated: 2019-03-04. Review status: criteria provided, single submitter. Criteria: ACMG Guidelines, 2015. Collection method: clinical testing. Allele origin: germline. Affected: yes. Observed: 1 variant allele.

OMIM
Classification: Pathogenic for USHER SYNDROME, TYPE ID. Last evaluated: 2001-01-01. Review status: no assertion criteria provided. Collection method: literature only. Allele origin: germline. Not counted in ClinVar's aggregate classification.

Literature cited by the submitters: PubMed 11138009 (cited by 3 submitters); PubMed 30459346 (cited by Labcorp Genetics (formerly Invitae), Labcorp); PubMed 31231422 (cited by Labcorp Genetics (formerly Invitae), Labcorp and Natera, Inc.); PubMed 17576681 (cited by Labcorp Genetics (formerly Invitae), Labcorp); PubMed 9536098 (cited by Labcorp Genetics (formerly Invitae), Labcorp).